The following is an entry in ClinVar:

ClinVar aggregate classification (germline): Benign/Likely benign. Review status: criteria provided, multiple submitters, no conflicts (2 of 4 stars). 3 submissions from 3 submitters: Benign (1); Likely benign (2). Last evaluated 2026-04-15.

Conditions:
DICER1-related tumor predisposition. Also called: DICER1-related pleuropulmonary blastoma cancer predisposition syndrome; DICER1 syndrome. Identifiers: Orphanet 284343, MedGen C3839822, MONDO:0100216.
Hereditary cancer-predisposing syndrome. Also called: Neoplastic Syndromes, Hereditary; Tumor predisposition; Hereditary neoplastic syndrome; Hereditary Cancer Syndrome. Identifiers: Orphanet 140162, MedGen C0027672, MeSH D009386, MONDO:0015356.

Allele frequency attached by ClinVar (database versions not stated): TOPMed below 0.00001.

Submissions (3):

Myriad Genetics, Inc.
Classification: Benign for DICER1-related tumor predisposition. Last evaluated: 2026-04-15. Review status: criteria provided, single submitter. Criteria: Myriad Autosomal Dominant, Autosomal Recessive and X-Linked Classification Criteria (2023). Collection method: clinical testing. Allele origin: unknown.
Comment: This variant is considered benign. This variant is a silent/synonymous amino acid change and it is not expected to impact splicing.

Labcorp Genetics (formerly Invitae), Labcorp
Classification: Likely benign for DICER1-related tumor predisposition. Last evaluated: 2024-05-15. Review status: criteria provided, single submitter. Criteria: Invitae Variant Classification Sherloc (09022015). Collection method: clinical testing. Allele origin: germline.

Ambry Genetics
Classification: Likely benign for Hereditary cancer-predisposing syndrome. Last evaluated: 2023-03-19. Review status: criteria provided, single submitter. Criteria: Ambry Variant Classification Scheme 2023. Collection method: clinical testing. Allele origin: germline.

NM_177438.3(DICER1):c.1566A>C (p.Val522=)

Gene: DICER1 (dicer 1, ribonuclease III; minus strand). Cytogenetic location: 14q32.13.
Variant type: single nucleotide variant.
Coding change: c.1566A>C on transcript NM_177438.3 (MANE Select); coding-DNA position 1566, A replaced by C.
Protein change: p.Val522=; no amino-acid change (valine 522 retained).
Molecular consequence: synonymous variant. On other transcripts: non-coding transcript variant (6), intron variant (1).
Genome position (GRCh38, 1-based): chr14:95,116,639, T>G on the plus strand (A>C on the coding strand, the complement: DICER1 is on the minus strand). VCF-style: chr14-95116639-T-G. GRCh37 (hg19) VCF-style: chr14-95582976-T-G.
Other names: c.1566A>C, p.Val522= (NM_001195573.1, NM_001271282.3, NM_001291628.2 and 13 more transcripts); c.1284A>C, p.Val428= (NM_001395686.1); c.1161A>C, p.Val387= (NM_001395687.1, NM_001395688.1, NM_001395689.1 and 3 more transcripts); c.999A>C, p.Val333= (NM_001395691.1); c.-59-59A>C (NM_001395697.1).
Identifiers: ClinVar variation 2566153 (VCV002566153.5), dbSNP rs1595411514, ClinGen allele CA487845254.